The following is an entry in ClinVar:

ClinVar aggregate classification (germline): Uncertain significance. Review status: criteria provided, multiple submitters, no conflicts (2 of 4 stars). 3 submissions from 3 submitters: Uncertain significance (3). Last evaluated 2023-09-05.

Conditions:
Inborn genetic diseases. Identifiers: MedGen C0950123, MeSH D030342.
Hyperphosphatasia with impaired intellectual development syndrome 2. Also called: Hyperphosphatasia with intellectual disability syndrome 2; GLYCOSYLPHOSPHATIDYLINOSITOL BIOSYNTHESIS DEFECT 6. Identifiers: Orphanet 247262, MedGen C3553637, MONDO:0013882, OMIM 614749.

Allele frequency attached by ClinVar (database versions not stated): ExAC 0.00001; gnomAD 0.00001; gnomAD exomes 0.00001; TOPMed 0.00001.
gnomAD v4.1: 16 of 1,614,080 alleles (0.00099%); highest among the groups gnomAD compares: Non-Finnish European, 0.0013%; no homozygotes.

Submissions (3):

Blueprint Genetics
Classification: Uncertain significance. Last evaluated: 2023-09-05. Review status: criteria provided, single submitter. Criteria: ACMG Guidelines, 2015. Collection method: clinical testing. Allele origin: germline.

Ambry Genetics
Classification: Uncertain significance for Inborn genetic diseases. Last evaluated: 2022-04-13. Review status: criteria provided, single submitter. Criteria: Ambry Variant Classification Scheme 2023. Collection method: clinical testing. Allele origin: germline.

Labcorp Genetics (formerly Invitae), Labcorp
Classification: Uncertain significance for Hyperphosphatasia with impaired intellectual development syndrome 2. Last evaluated: 2022-01-25. Review status: criteria provided, single submitter. Criteria: Invitae Variant Classification Sherloc (09022015). Collection method: clinical testing. Allele origin: germline.
Comment: This sequence change replaces lysine, which is basic and polar, with arginine, which is basic and polar, at codon 250 of the PIGO protein (p.Lys250Arg). This variant is present in population databases (rs200782253, gnomAD 0.003%). This variant has not been reported in the literature in individuals affected with PIGO-related conditions. ClinVar contains an entry for this variant (Variation ID: 578776). Algorithms developed to predict the effect of missense changes on protein structure and function output the following: SIFT: "Tolerated"; PolyPhen-2: "Benign"; Align-GVGD: "Class C0". The arginine amino acid residue is found in multiple mammalian species, which suggests that this missense change does not adversely affect protein function. Algorithms developed to predict the effect of sequence changes on RNA splicing suggest that this variant may create or strengthen a splice site. In summary, the available evidence is currently insufficient to determine the role of this variant in disease. Therefore, it has been classified as a Variant of Uncertain Significance.

NM_032634.4(PIGO):c.749A>G (p.Lys250Arg)

Gene: PIGO (phosphatidylinositol glycan anchor biosynthesis class O; minus strand). Cytogenetic location: 9p13.3.
Variant type: single nucleotide variant.
Coding change: c.749A>G on transcript NM_032634.4 (MANE Select); coding-DNA position 749, A replaced by G.
Protein change: p.Lys250Arg; replaces lysine 250 with arginine.
Molecular consequence: missense variant.
Genome position (GRCh38, 1-based): chr9:35,093,931, T>C on the plus strand (A>G on the coding strand, the complement: PIGO is on the minus strand). VCF-style: chr9-35093931-T-C. GRCh37 (hg19) VCF-style: chr9-35093928-T-C.
Other names: c.749A>G, p.Lys250Arg (NM_001201484.2, NM_152850.4); short protein forms K250R.
Identifiers: ClinVar variation 578776 (VCV000578776.5), dbSNP rs200782253, ClinGen allele CA5040854.